The following is an entry in ClinVar:

ClinVar aggregate classification (germline): Uncertain significance (1 of 4 stars; one submission).

gnomAD v4.1: 10 of 1,613,470 alleles (0.00062%); highest among the groups gnomAD compares: African/African-American, 0.0013%; no homozygotes.

Submission:

Labcorp Genetics (formerly Invitae), Labcorp
Classification: Uncertain significance. Last evaluated: 2024-06-12. Review status: criteria provided, single submitter. Criteria: Invitae Variant Classification Sherloc (09022015). Collection method: clinical testing. Allele origin: germline.
Comment: This sequence change replaces proline, which is neutral and non-polar, with alanine, which is neutral and non-polar, at codon 4 of the SIAE protein (p.Pro4Ala). This variant is present in population databases (no rsID available, gnomAD 0.007%). This variant has not been reported in the literature in individuals affected with SIAE-related conditions. An algorithm developed to predict the effect of missense changes on protein structure and function (PolyPhen-2) suggests that this variant is likely to be tolerated. In summary, the available evidence is currently insufficient to determine the role of this variant in disease. Therefore, it has been classified as a Variant of Uncertain Significance.

NM_170601.5(SIAE):c.10C>G (p.Pro4Ala)

Gene: SIAE (sialic acid acetylesterase; minus strand). Cytogenetic location: 11q24.2.
Variant type: single nucleotide variant.
Coding change: c.10C>G on transcript NM_170601.5 (MANE Select); coding-DNA position 10, C replaced by G.
Protein change: p.Pro4Ala; replaces proline 4 with alanine.
Molecular consequence: missense variant. On other transcripts: intron variant (1).
Genome position (GRCh38, 1-based): chr11:124,673,699, G>C on the plus strand (C>G on the coding strand, the complement: SIAE is on the minus strand). VCF-style: chr11-124673699-G-C. GRCh37 (hg19) VCF-style: chr11-124543595-G-C.
Other names: c.-39+1559C>G (NM_001199922.2); short protein forms P4A.
Identifiers: ClinVar variation 3626937 (VCV003626937.2).
Genomic context (GRCh38, chr11:124,673,699, plus strand): 5'-CACCTGCACTTCTGTCGGCCCACAGGATTAATGGCAGCACCAGCCCGAGTACAAGCCCCG[G>C]CGCGACCATGCTTGCAAGGATCTGACCGCCGCCTAGGACTGGGAAAGTGGGTTCCCGGCA-3'
Protein context (NP_733746.1, residues 1-14): MVA[Pro4Ala]GLVLGLVLPL